The following is an entry in ClinVar:

ClinVar aggregate classification (germline): Likely pathogenic (1 of 4 stars; one submission).

Conditions:
Glycogen storage disease XV (GSD15). Also called: GLYCOGENIN DEFICIENCY; GSD XV. Identifiers: Orphanet 263297, MedGen C3150754, MONDO:0013291, OMIM 613507.
Polyglucosan body myopathy type 2. Identifiers: Orphanet 456369, MedGen C4015452, MONDO:0014526, OMIM 616199.

Allele frequency attached by ClinVar (database versions not stated): gnomAD exomes below 0.00001.

Submission:

Labcorp Genetics (formerly Invitae), Labcorp
Classification: Likely pathogenic for Polyglucosan body myopathy type 2; Glycogen storage disease XV. Last evaluated: 2021-06-30. Review status: criteria provided, single submitter. Criteria: Invitae Variant Classification Sherloc (09022015). Collection method: clinical testing. Allele origin: germline.
Comment: The frequency data for this variant in the population databases is considered unreliable, as metrics indicate insufficient coverage at this position in the ExAC database. This sequence change affects the initiator methionine of the GYG1 mRNA. The next in-frame methionine is located at codon 47. Disruption of the initiator codon has been observed in individual(s) with polyglucosan body myopathy (PMID: 27544502). In summary, the currently available evidence indicates that the variant is pathogenic, but additional data are needed to prove that conclusively. Therefore, this variant has been classified as Likely Pathogenic.

Literature cited by the submitters: PubMed 27544502.

NM_004130.4(GYG1):c.3G>C (p.Met1Ile)

Genes: GYG1 (glycogenin 1; plus strand), LOC129937737 (ATAC-STARR-seq lymphoblastoid silent region 14802; plus strand). Cytogenetic location: 3q24.
Variant type: single nucleotide variant.
Coding change: c.3G>C on transcript NM_004130.4 (MANE Select); coding-DNA position 3, G replaced by C.
Protein change: p.Met1Ile; changes the start codon (methionine 1).
Molecular consequence: missense variant, initiator codon variant.
Genome position (GRCh38, 1-based): chr3:148,991,643, G>C. VCF-style: chr3-148991643-G-C. GRCh37 (hg19) VCF-style: chr3-148709430-G-C.
Other names: c.3G>C, p.Met1Ile (NM_001184720.2, NM_001184721.2); short protein forms M1I.
Identifiers: ClinVar variation 1477393 (VCV001477393.6), dbSNP rs1365446658, ClinGen allele CA354909152.